The following is an entry in ClinVar:

ClinVar aggregate classification (germline): Uncertain significance. Review status: criteria provided, multiple submitters, no conflicts (2 of 4 stars). 3 submissions from 3 submitters: Uncertain significance (3). Last evaluated 2025-12-23.

Conditions:
Cardiovascular phenotype. Identifiers: MedGen CN230736.
Dilated cardiomyopathy 1DD (CMD1DD). Identifiers: Orphanet 154, MedGen C2750995, MONDO:0013168, OMIM 613172.

Allele frequency attached by ClinVar (database versions not stated): gnomAD exomes 0.00001.
gnomAD v4.1: 10 of 1,550,026 alleles (0.00065%); highest among the groups gnomAD compares: Non-Finnish European, 0.0007%; no homozygotes.

Submissions (3):

Labcorp Genetics (formerly Invitae), Labcorp
Classification: Uncertain significance for Dilated cardiomyopathy 1DD. Last evaluated: 2025-12-23. Review status: criteria provided, single submitter. Criteria: Invitae Variant Classification Sherloc (09022015). Collection method: clinical testing. Allele origin: germline.
Comment: This sequence change replaces proline, which is neutral and non-polar, with leucine, which is neutral and non-polar, at codon 86 of the RBM20 protein (p.Pro86Leu). This variant is not present in population databases (gnomAD no frequency). This variant has not been reported in the literature in individuals affected with RBM20-related conditions. ClinVar contains an entry for this variant (Variation ID: 2163303). Invitae Evidence Modeling of protein sequence and biophysical properties (such as structural, functional, and spatial information, amino acid conservation, physicochemical variation, residue mobility, and thermodynamic stability) has been performed for this missense variant. However, the output from this modeling did not meet the statistical confidence thresholds required to predict the impact of this variant on RBM20 protein function. Algorithms developed to predict the effect of sequence changes on RNA splicing suggest that this variant may disrupt the consensus splice site. In summary, the available evidence is currently insufficient to determine the role of this variant in disease. Therefore, it has been classified as a Variant of Uncertain Significance.

GeneDx
Classification: Uncertain significance. Last evaluated: 2025-06-03. Review status: criteria provided, single submitter. Criteria: GeneDx Variant Classification Process June 2021. Collection method: clinical testing. Allele origin: germline. Affected: yes.
Comment: Not observed at significant frequency in large population cohorts (gnomAD); In silico analysis supports that this missense variant has a deleterious effect on protein structure/function; Has not been previously published as pathogenic or benign to our knowledge; In silico analysis suggests this variant may impact gene splicing. In the absence of RNA/functional studies, the actual effect of this sequence change is unknown.

Ambry Genetics
Classification: Uncertain significance for Cardiovascular phenotype. Last evaluated: 2023-06-11. Review status: criteria provided, single submitter. Criteria: Ambry Variant Classification Scheme 2023. Collection method: clinical testing. Allele origin: germline.
Comment: The p.P86L variant (also known as c.257C>T), located in coding exon 2 of the RBM20 gene, results from a C to T substitution at nucleotide position 257. The proline at codon 86 is replaced by leucine, an amino acid with similar properties. This amino acid position is conserved. In addition, this alteration is predicted to be deleterious by in silico analysis. Since supporting evidence is limited at this time, the clinical significance of this alteration remains unclear.

NM_001134363.3(RBM20):c.257C>T (p.Pro86Leu)

Gene: RBM20 (RNA binding motif protein 20; plus strand). Cytogenetic location: 10q25.2.
Variant type: single nucleotide variant.
Coding change: c.257C>T on transcript NM_001134363.3 (MANE Select); coding-DNA position 257, C replaced by T.
Protein change: p.Pro86Leu; replaces proline 86 with leucine.
Molecular consequence: missense variant.
Genome position (GRCh38, 1-based): chr10:110,780,866, C>T. VCF-style: chr10-110780866-C-T. GRCh37 (hg19) VCF-style: chr10-112540624-C-T.
Other names: short protein forms P86L.
Identifiers: ClinVar variation 2163303 (VCV002163303.7), dbSNP rs1564843645, ClinGen allele CA378379231.